The following is an entry in ClinVar:

ClinVar aggregate classification (germline): Conflicting classifications of pathogenicity. Review status: criteria provided, conflicting classifications (1 of 4 stars). 6 submissions from 6 submitters: Uncertain significance (2); Likely benign (3). 1 of the submissions does not count toward it. Last evaluated 2026-01-26.

Conditions:
Hereditary spastic paraplegia. Also called: Familial spastic paraparesis. Identifiers: Orphanet 685, MedGen C0037773, MONDO:0019064. Disease mechanism: loss of function.
SACS-related disorder. Also called: SACS-related condition.
Charlevoix-Saguenay spastic ataxia (SACS). Also called: SPASTIC ATAXIA 6, AUTOSOMAL RECESSIVE; AUTOSOMAL RECESSIVE SPASTIC ATAXIA OF CHARLEVOIX-SAGUENAY; Spastic ataxia of Charlevoix-Saguenay. Identifiers: Orphanet 98, MedGen C1849140, MONDO:0010041, OMIM 270550.
Spastic paraplegia. Identifiers: MedGen C0037772, HP:0001258.

Allele frequency attached by ClinVar (database versions not stated): gnomAD 0.00088 and 0.00091; TOPMed 0.00100; ESP Exome Variant Server 0.00115; 1000 Genomes Project 0.00140; 1000 Genomes Project 30x 0.00156.
gnomAD v4.1: 264 of 1,614,186 alleles (0.016%); highest among the groups gnomAD compares: African/African-American, 0.31%; 2 homozygotes.

Submissions (6):

Labcorp Genetics (formerly Invitae), Labcorp
Classification: Likely benign for Spastic paraplegia. Last evaluated: 2026-01-26. Review status: criteria provided, single submitter. Criteria: Invitae Variant Classification Sherloc (09022015). Collection method: clinical testing. Allele origin: germline.

GeneDx
Classification: Uncertain significance. Last evaluated: 2026-01-20. Review status: criteria provided, single submitter. Criteria: GeneDx Variant Classification Process June 2021. Collection method: clinical testing. Allele origin: germline.
Comment: In silico analysis supports that this missense variant has a deleterious effect on protein structure/function; Has not been previously published as pathogenic or benign to our knowledge

PreventionGenetics, part of Exact Sciences
Classification: Likely benign for SACS-related condition. Last evaluated: 2024-10-06. Review status: criteria provided, single submitter. Criteria: ACMG Guidelines, 2015. Collection method: clinical testing. Allele origin: germline.
Comment: This variant is classified as likely benign based on ACMG/AMP sequence variant interpretation guidelines (Richards et al. 2015 PMID: 25741868, with internal and published modifications).

Athena Diagnostics
Classification: Likely benign. Last evaluated: 2024-08-05. Review status: criteria provided, single submitter. Criteria: Athena Diagnostics Criteria. Collection method: clinical testing. Allele origin: unknown.

Genome Diagnostics Laboratory, The Hospital for Sick Children
Classification: Uncertain significance for Hereditary spastic paraplegia. Last evaluated: 2016-12-12. Review status: criteria provided, single submitter. Criteria: ACMG Guidelines, 2015. Collection method: clinical testing. Allele origin: germline. Affected: yes.

Natera, Inc.
Classification: Uncertain significance for Charlevoix-Saguenay type spastic ataxia. Last evaluated: 2020-01-10. Review status: no assertion criteria provided. Collection method: clinical testing. Allele origin: germline. Not counted in ClinVar's aggregate classification.

NM_014363.6(SACS):c.1378C>T (p.Leu460Phe)

Gene: SACS (sacsin molecular chaperone; minus strand). Cytogenetic location: 13q12.12.
Variant type: single nucleotide variant.
Coding change: c.1378C>T on transcript NM_014363.6 (MANE Select); coding-DNA position 1378, C replaced by T.
Protein change: p.Leu460Phe; replaces leucine 460 with phenylalanine.
Molecular consequence: missense variant.
Genome position (GRCh38, 1-based): chr13:23,355,234, G>A on the plus strand (C>T on the coding strand, the complement: SACS is on the minus strand). VCF-style: chr13-23355234-G-A. GRCh37 (hg19) VCF-style: chr13-23929373-G-A.
Other names: c.937C>T, p.Leu313Phe (NM_001278055.2); short protein forms L313F, L460F.
Identifiers: ClinVar variation 695623 (VCV000695623.20), dbSNP rs145213666, ClinGen allele CA6911920.